The following is an entry in ClinVar:

NM_001122659.3(EDNRB):c.601C>T (p.Arg201Ter)

Genes: EDNRB (endothelin receptor type B; minus strand), EDNRB-AS1 (EDNRB antisense RNA 1; plus strand). Cytogenetic location: 13q22.3.
Variant type: single nucleotide variant.
Coding change: c.601C>T on transcript NM_001122659.3 (MANE Select); coding-DNA position 601, C replaced by T.
Protein change: p.Arg201Ter; replaces arginine 201 with a stop codon.
Molecular consequence: nonsense.
Genome position (GRCh38, 1-based): chr13:77,903,356, G>A on the plus strand (C>T on the coding strand, the complement: EDNRB is on the minus strand). VCF-style: chr13-77903356-G-A. GRCh37 (hg19) VCF-style: chr13-78477491-G-A.
Other names: c.601C>T, p.Arg201Ter (NM_000115.5, NM_003991.4); c.871C>T, p.Arg291Ter (NM_001201397.2); short protein forms R201*, R291*.
Identifiers: ClinVar variation 16640 (VCV000016640.49), dbSNP rs104894391, ClinGen allele CA214755.

ClinVar aggregate classification (germline): Pathogenic/Likely pathogenic. Review status: criteria provided, multiple submitters, no conflicts (2 of 4 stars). 6 submissions from 6 submitters: Pathogenic (4); Likely pathogenic (1). 1 of the submissions does not count toward it. Last evaluated 2026-03-06.

Conditions:
EDNRB-related disorder. Also called: EDNRB-related condition; EDNRB-related disorders.
Waardenburg syndrome type 4A (WS4A). Also called: WAARDENBURG SYNDROME WITH HIRSCHSPRUNG DISEASE, TYPE 4A. Identifiers: Orphanet 897, MedGen C1848519, MONDO:0010192, OMIM 277580.
ABCD syndrome (ABCDS). Identifiers: MedGen C1838099, MONDO:0010895, OMIM 600501.

Allele frequency attached by ClinVar (database versions not stated): ExAC 0.00001; gnomAD exomes below 0.00001; TOPMed below 0.00001.
gnomAD v4.1: 3 of 1,612,592 alleles (0.00019%); highest among the groups gnomAD compares: Non-Finnish European, 0.00025%; no homozygotes.

Submissions (6):

GeneDx
Classification: Pathogenic. Last evaluated: 2026-03-06. Review status: criteria provided, single submitter. Criteria: GeneDx Variant Classification Process June 2021. Collection method: clinical testing. Allele origin: germline.
Comment: Nonsense variant predicted to result in protein truncation or nonsense mediated decay in a gene for which loss of function is a known mechanism of disease; Not observed at significant frequency in large population cohorts (gnomAD); This variant is associated with the following publications: (PMID: 25525159, 8001159, 7778600, 30394532, 10528251, 32367296, 20127975, 11891690)

Blueprint Genetics
Classification: Likely pathogenic for EDNRB-related disorders. Last evaluated: 2022-10-12. Review status: criteria provided, single submitter. Criteria: ACMG Guidelines, 2015. Collection method: clinical testing. Allele origin: germline. Affected: yes. Observed: 1 variant allele.

Labcorp Genetics (formerly Invitae), Labcorp
Classification: Pathogenic. Last evaluated: 2022-07-08. Review status: criteria provided, single submitter. Criteria: Invitae Variant Classification Sherloc (09022015). Collection method: clinical testing. Allele origin: germline.
Comment: For these reasons, this variant has been classified as Pathogenic. ClinVar contains an entry for this variant (Variation ID: 16640). This premature translational stop signal has been observed in individual(s) with EDNRB-related conditions (PMID: 11891690). This variant is present in population databases (rs104894391, gnomAD 0.0009%). This sequence change creates a premature translational stop signal (p.Arg201*) in the EDNRB gene. It is expected to result in an absent or disrupted protein product. Loss-of-function variants in EDNRB are known to be pathogenic (PMID: 8001159, 10528251, 20127975, 30394532).

CeGaT Center for Human Genetics Tuebingen
Classification: Pathogenic. Last evaluated: 2017-08-01. Review status: criteria provided, single submitter. Criteria: CeGaT Center For Human Genetics Tuebingen Variant Classification Criteria Version 2. Collection method: clinical testing. Allele origin: germline. Affected: yes. Observed: 1 variant allele.

Center for Human Genetics, Inc
Classification: Pathogenic for Waardenburg syndrome type 4A. Last evaluated: 2016-11-01. Review status: criteria provided, single submitter. Criteria: ACMG Guidelines, 2015. Collection method: clinical testing. Allele origin: germline. Affected: yes.

OMIM
Classification: Pathogenic for ABCD SYNDROME (1 family). Last evaluated: 2002-03-15. Review status: no assertion criteria provided. Collection method: literature only. Allele origin: germline. Not counted in ClinVar's aggregate classification.

Literature cited by the submitters: PubMed 11891690 (cited by Labcorp Genetics (formerly Invitae), Labcorp and OMIM); PubMed 8001159 (cited by Labcorp Genetics (formerly Invitae), Labcorp); PubMed 10528251 (cited by Labcorp Genetics (formerly Invitae), Labcorp); PubMed 20127975 (cited by Labcorp Genetics (formerly Invitae), Labcorp); PubMed 30394532 (cited by Labcorp Genetics (formerly Invitae), Labcorp); PubMed 7778600 (cited by OMIM).